The following is an entry in ClinVar:

ClinVar aggregate classification (germline): Likely pathogenic. Review status: criteria provided, multiple submitters, no conflicts (2 of 4 stars). 2 submissions from 2 submitters: Likely pathogenic (2). Last evaluated 2024-05-25.

Conditions:
Cardiovascular phenotype. Identifiers: MedGen CN230736.
Autosomal recessive limb-girdle muscular dystrophy type 2J (LGMDR10). Also called: MUSCULAR DYSTROPHY, LIMB-GIRDLE, AUTOSOMAL RECESSIVE 10; Limb-girdle muscular dystrophy, type 2J. Identifiers: Orphanet 140922, MedGen C1837342, MONDO:0012127, OMIM 608807.
Dilated cardiomyopathy 1G (CMD1G). Identifiers: Orphanet 154, MedGen C1858763, MONDO:0011400, OMIM 604145.

Submissions (2):

Labcorp Genetics (formerly Invitae), Labcorp
Classification: Likely pathogenic for Dilated cardiomyopathy 1G; Autosomal recessive limb-girdle muscular dystrophy type 2J. Last evaluated: 2024-05-25. Review status: criteria provided, single submitter. Criteria: Invitae Variant Classification Sherloc (09022015). Collection method: clinical testing. Allele origin: germline.
Comment: This sequence change creates a premature translational stop signal (p.Tyr24400*) in the TTN gene. While this is not anticipated to result in nonsense mediated decay, it is expected to create a truncated TTN protein. This variant is not present in population databases (gnomAD no frequency). This variant has not been reported in the literature in individuals affected with TTN-related conditions. ClinVar contains an entry for this variant (Variation ID: 1741820). This variant is located in the A band of TTN (PMID: 25589632). Truncating variants in this region are significantly overrepresented in patients affected with dilated cardiomyopathy (PMID: 25589632). Truncating variants in this region have also been reported in individuals affected with autosomal recessive centronuclear myopathy (PMID: 23975875). In summary, the currently available evidence indicates that the variant is pathogenic, but additional data are needed to prove that conclusively. Therefore, this variant has been classified as Likely Pathogenic.

Ambry Genetics
Classification: Likely pathogenic for Cardiovascular phenotype. Last evaluated: 2022-05-02. Review status: criteria provided, single submitter. Criteria: Ambry Variant Classification Scheme 2023. Collection method: clinical testing. Allele origin: germline.
Comment: The p.Y15335* variant (also known as c.46005T>A), located in coding exon 153 of the TTN gene, results from a T to A substitution at nucleotide position 46005. This changes the amino acid from a tyrosine to a stop codon within coding exon 153. This exon is located in the A-band region of the N2-B isoform of the titin protein and is constitutively expressed in TTN transcripts (percent spliced in or PSI 100%). This variant is considered to be rare based on population cohorts in the Genome Aggregation Database (gnomAD). This alteration is expected to result in loss of function by premature protein truncation or nonsense-mediated mRNA decay. While truncating variants in TTN are present in 1-3% of the general population, truncating variants in the A-band are the most common cause of dilated cardiomyopathy (DCM) (Herman DS et al. N. Engl. J. Med., 2012 Feb;366:619-28; Roberts AM et al. Sci Transl Med, 2015 Jan;7:270ra6). TTN truncating variants encoded in constitutive exons (PSI >90%) have been found to be significantly associated with DCM regardless of their position in titin (Schafer S et al. Nat. Genet., 2017 01;49:46-53). As such, this alteration is classified as likely pathogenic.

Literature cited by the submitters: PubMed 25589632 (cited by Labcorp Genetics (formerly Invitae), Labcorp); PubMed 23975875 (cited by Labcorp Genetics (formerly Invitae), Labcorp).

NM_001267550.2(TTN):c.73200T>A (p.Tyr24400Ter)

Genes: TTN (titin; minus strand), TTN-AS1 (TTN antisense RNA 1; plus strand). Cytogenetic location: 2q31.2.
Variant type: single nucleotide variant.
Coding change: c.73200T>A on transcript NM_001267550.2 (MANE Select); coding-DNA position 73200, T replaced by A.
Protein change: p.Tyr24400Ter; replaces tyrosine 24400 with a stop codon.
Molecular consequence: nonsense.
Genome position (GRCh38, 1-based): chr2:178,572,932, A>T on the plus strand (T>A on the coding strand, the complement: TTN is on the minus strand). VCF-style: chr2-178572932-A-T. GRCh37 (hg19) VCF-style: chr2-179437659-A-T.
Other names: c.68277T>A, p.Tyr22759Ter (NM_001256850.1); c.46005T>A, p.Tyr15335Ter (NM_003319.4); c.65496T>A, p.Tyr21832Ter (NM_133378.4); c.46380T>A, p.Tyr15460Ter (NM_133432.3); c.46581T>A, p.Tyr15527Ter (NM_133437.4); short protein forms Y15335*, Y15527*, Y22759*, Y24400*, Y15460*, Y21832*.
Identifiers: ClinVar variation 1741820 (VCV001741820.7), dbSNP rs1250752630, ClinGen allele CA349643327.